The following is an entry in ClinVar:

ClinVar aggregate classification (germline): Uncertain significance. Review status: criteria provided, multiple submitters, no conflicts (2 of 4 stars). 2 submissions from 2 submitters: Uncertain significance (2). Last evaluated 2024-04-03.

Allele frequency attached by ClinVar (database versions not stated): gnomAD 0.00006 and 0.00007; ExAC 0.00007; ESP Exome Variant Server 0.00008; gnomAD exomes 0.00008; TOPMed 0.00008.
gnomAD v4.1: 124 of 1,613,726 alleles (0.0077%); highest among the groups gnomAD compares: Non-Finnish European, 0.0098%; no homozygotes.

Submissions (2):

Blueprint Genetics
Classification: Uncertain significance. Last evaluated: 2024-04-03. Review status: criteria provided, single submitter. Criteria: ACMG Guidelines, 2015. Collection method: clinical testing. Allele origin: germline.

Labcorp Genetics (formerly Invitae), Labcorp
Classification: Uncertain significance. Last evaluated: 2022-08-23. Review status: criteria provided, single submitter. Criteria: Invitae Variant Classification Sherloc (09022015). Collection method: clinical testing. Allele origin: germline.
Comment: This sequence change replaces arginine, which is basic and polar, with histidine, which is basic and polar, at codon 118 of the AGBL5 protein (p.Arg118His). The frequency data for this variant in the population databases is considered unreliable, as metrics indicate poor data quality at this position in the gnomAD database. This variant has not been reported in the literature in individuals affected with AGBL5-related conditions. ClinVar contains an entry for this variant (Variation ID: 1017912). Algorithms developed to predict the effect of missense changes on protein structure and function are either unavailable or do not agree on the potential impact of this missense change (SIFT: "Deleterious"; PolyPhen-2: "Benign"; Align-GVGD: "Class C0"). In summary, the available evidence is currently insufficient to determine the role of this variant in disease. Therefore, it has been classified as a Variant of Uncertain Significance.

NM_021831.6(AGBL5):c.353G>A (p.Arg118His)

Gene: AGBL5 (AGBL carboxypeptidase 5; plus strand). Cytogenetic location: 2p23.3.
Variant type: single nucleotide variant.
Coding change: c.353G>A on transcript NM_021831.6 (MANE Select); coding-DNA position 353, G replaced by A.
Protein change: p.Arg118His; replaces arginine 118 with histidine.
Molecular consequence: missense variant. On other transcripts: non-coding transcript variant (2).
Genome position (GRCh38, 1-based): chr2:27,053,539, G>A. VCF-style: chr2-27053539-G-A. GRCh37 (hg19) VCF-style: chr2-27276407-G-A.
Other names: c.353G>A, p.Arg118His (NM_001035507.3); short protein forms R118H.
Identifiers: ClinVar variation 1017912 (VCV001017912.5), dbSNP rs200969045, ClinGen allele CA1567610.
Genomic context (GRCh38, chr2:27,053,539, plus strand): 5'-AGAGCAAGCTGTATTCCCAGGGCATGGCCCCCTTTGTGCGCACACTGCCCACCCGGCCAC[G>A]CTGGGAACGCATTCGAGACCGGCCCACCTTTGAGGTAAGTTCTCCATGAGGAGGAAAGAA-3'
Protein context (NP_068603.4, residues 108-128): PFVRTLPTRP[Arg118His]WERIRDRPTF